The following is an entry in ClinVar:

NM_000321.3(RB1):c.272_276del (p.Tyr91fs)

Gene: RB1 (RB transcriptional corepressor 1; plus strand). Cytogenetic location: 13q14.2.
Variant type: Deletion.
Coding change: c.272_276del on transcript NM_000321.3 (MANE Select); coding-DNA positions 272 to 276, 5 bases deleted (ATATT; older notation c.272_276delATATT).
Protein change: p.Tyr91fs; shifts the reading frame from tyrosine 91.
Molecular consequence: frameshift variant.
Genome position (GRCh38, 1-based): chr13:48,342,606-48,342,610, ATATT deleted; deleting any 5 consecutive bases within chr13:48,342,604-48,342,610 gives the same sequence; the c. name uses the placement nearest the transcript's 3' end. VCF-style (leftmost placement, unchanged base first): chr13-48342603-GTTATA-G. GRCh37 (hg19) VCF-style: chr13-48916739-GTTATA-G.
Other names: c.272_276delATATT (NM_000321.2); short protein forms Y91fs.
Identifiers: ClinVar variation 659122 (VCV000659122.1), dbSNP rs1593434175, ClinGen allele CA915948640.

ClinVar aggregate classification (germline): Pathogenic (1 of 4 stars; one submission).

Conditions:
Retinoblastoma (RB1). Also called: RETINOBLASTOMA, SOMATIC. Identifiers: Orphanet 790, MedGen C0035335, MeSH D012175, MONDO:0008380, OMIM 180200, HP:0009919. Disease mechanism: loss of function. Inheritance: Both sporadic and heritable forms are tested..

Submission:

Labcorp Genetics (formerly Invitae), Labcorp
Classification: Pathogenic for Retinoblastoma. Last evaluated: 2018-07-24. Review status: criteria provided, single submitter. Criteria: Invitae Variant Classification Sherloc (09022015). Collection method: clinical testing. Allele origin: germline.
Comment: This sequence change creates a premature translational stop signal (p.Tyr91Serfs*17) in the RB1 gene. It is expected to result in an absent or disrupted protein product. This variant is not present in population databases (ExAC no frequency). This variant has not been reported in the literature in individuals with RB1-related disease. Loss-of-function variants in RB1 are known to be pathogenic (PMID: 17096365). For these reasons, this variant has been classified as Pathogenic.